The following is an entry in ClinVar:

ClinVar aggregate classification (germline): Uncertain significance (1 of 4 stars; one submission).

Submission:

Labcorp Genetics (formerly Invitae), Labcorp
Classification: Uncertain significance. Last evaluated: 2022-05-06. Review status: criteria provided, single submitter. Criteria: Invitae Variant Classification Sherloc (09022015). Collection method: clinical testing. Allele origin: germline.
Comment: This variant is not present in population databases (gnomAD no frequency). In summary, the available evidence is currently insufficient to determine the role of this variant in disease. Therefore, it has been classified as a Variant of Uncertain Significance. This variant has not been reported in the literature in individuals affected with ERBIN-related conditions. This sequence change creates a premature translational stop signal (p.Gln335Thrfs*22) in the ERBIN gene. It is expected to result in an absent or disrupted protein product. However, the current clinical and genetic evidence is not sufficient to establish whether loss-of-function variants in ERBIN cause disease.

NM_001253697.2(ERBIN):c.1002dup (p.Gln335fs)

Gene: ERBIN (erbb2 interacting protein; plus strand). Cytogenetic location: 5q12.3.
Variant type: Duplication.
Coding change: c.1002dup on transcript NM_001253697.2 (MANE Select); coding-DNA position 1002, one base duplicated (A; older notation c.1002dupA).
Protein change: p.Gln335fs; shifts the reading frame from glutamine 335.
Molecular consequence: frameshift variant.
Genome position (GRCh38, 1-based): chr5:66,025,959, A duplicated. VCF-style (leftmost placement, unchanged base first): chr5-66025958-T-TA. GRCh37 (hg19) VCF-style: chr5-65321786-T-TA.
Other names: c.1002dup, p.Gln335fs (NM_001006600.3, NM_001253698.2, NM_001253699.2 and 2 more transcripts); short protein forms Q335fs.
Identifiers: ClinVar variation 2134782 (VCV002134782.4), dbSNP rs2546719963, ClinGen allele CA2580073380.